The following is an entry in ClinVar:

ClinVar aggregate classification (germline): Uncertain significance. Review status: criteria provided, multiple submitters, no conflicts (2 of 4 stars). 2 submissions from 2 submitters: Uncertain significance (2). Last evaluated 2026-06-03.

Conditions:
SHROOM4-related disorder. Also called: SHROOM4-related condition.

Allele frequency attached by ClinVar (database versions not stated): TOPMed 0.00001; gnomAD exomes 0.00001.
gnomAD v4.1: 6 of 1,211,222 alleles (0.0005%); highest among the groups gnomAD compares: African/African-American, 0.0052%; no homozygotes.

Submissions (2):

Ambry Genetics
Classification: Uncertain significance. Last evaluated: 2026-06-03. Review status: criteria provided, single submitter. Criteria: Ambry Variant Classification Scheme 2023. Collection method: clinical testing. Allele origin: germline.

PreventionGenetics, part of Exact Sciences
Classification: Uncertain significance for SHROOM4-related condition. Last evaluated: 2023-10-10. Review status: criteria provided, single submitter. Criteria: ACMG Guidelines, 2015. Collection method: clinical testing. Allele origin: germline.
Comment: The SHROOM4 c.1745G>A variant is predicted to result in the amino acid substitution p.Arg582Gln. To our knowledge, this variant has not been reported in the literature or in a large population database, indicating this variant is rare. At this time, the clinical significance of this variant is uncertain due to the absence of conclusive functional and genetic evidence.

NM_020717.5(SHROOM4):c.1745G>A (p.Arg582Gln)

Gene: SHROOM4 (shroom family member 4; minus strand). Cytogenetic location: Xp11.22.
Variant type: single nucleotide variant.
Coding change: c.1745G>A on transcript NM_020717.5 (MANE Select); coding-DNA position 1745, G replaced by A.
Protein change: p.Arg582Gln; replaces arginine 582 with glutamine.
Molecular consequence: missense variant. On other transcripts: non-coding transcript variant (4).
Genome position (GRCh38, 1-based): chrX:50,634,328, C>T on the plus strand (G>A on the coding strand, the complement: SHROOM4 is on the minus strand). VCF-style: chrX-50634328-C-T. GRCh37 (hg19) VCF-style: chrX-50377328-C-T.
Other names: short protein forms R582Q.
Identifiers: ClinVar variation 2633935 (VCV002633935.2), dbSNP rs1258060533, ClinGen allele CA413119502.